The following is an entry in ClinVar:

NM_020774.4(MIB1):c.2586+9T>G

Gene: MIB1 (MIB E3 ubiquitin protein ligase 1; plus strand). Cytogenetic location: 18q11.2.
Variant type: single nucleotide variant.
Coding change: c.2586+9T>G on transcript NM_020774.4 (MANE Select); 9 bases into the intron after coding-DNA position 2586, T replaced by G.
Molecular consequence: intron variant.
Genome position (GRCh38, 1-based): chr18:21,849,397, T>G. VCF-style: chr18-21849397-T-G. GRCh37 (hg19) VCF-style: chr18-19429358-T-G.
Identifiers: ClinVar variation 3040734 (VCV003040734.2), dbSNP rs2042163224, ClinGen allele CA2289399414.
Genomic context (GRCh38, chr18:21,849,397, plus strand): 5'-ACGTGTCAAGAAATGCCTCATCTGTAAAGAACAGGTTCAATCCAGGACAAAGGTAAGATA[T>G]ATTTAATATAGTATTTTGTCATTTTATGAAGTTGAGACTAGAATTAATGATAAATAAGAT-3'

ClinVar aggregate classification (germline): Likely benign (0 of 4 stars; one submission).

Conditions:
MIB1-related disorder. Also called: MIB1-related condition.

Allele frequency attached by ClinVar (database versions not stated): TOPMed below 0.00001.

Submission:

PreventionGenetics, part of Exact Sciences
Classification: Likely benign for MIB1-related condition. Last evaluated: 2019-09-17. Review status: no assertion criteria provided. Collection method: clinical testing. Allele origin: germline.
Comment: This variant is classified as likely benign based on ACMG/AMP sequence variant interpretation guidelines (Richards et al. 2015 PMID: 25741868, with internal and published modifications).